The following is an entry in ClinVar:

NM_014915.3(ANKRD26):c.2597C>G (p.Ser866Cys)

Gene: ANKRD26 (ankyrin repeat domain 26; minus strand). Cytogenetic location: 10p12.1.
Variant type: single nucleotide variant.
Coding change: c.2597C>G on transcript NM_014915.3 (MANE Select); coding-DNA position 2597, C replaced by G.
Protein change: p.Ser866Cys; replaces serine 866 with cysteine.
Molecular consequence: missense variant.
Genome position (GRCh38, 1-based): chr10:27,037,286, G>C on the plus strand (C>G on the coding strand, the complement: ANKRD26 is on the minus strand). VCF-style: chr10-27037286-G-C. GRCh37 (hg19) VCF-style: chr10-27326215-G-C.
Other names: c.2594C>G, p.Ser865Cys (NM_001256053.2); short protein forms S866C, S865C.
Identifiers: ClinVar variation 4580142 (VCV004580142.1).

ClinVar aggregate classification (germline): Uncertain significance (1 of 4 stars; one submission).

Conditions:
Inborn genetic diseases. Identifiers: MedGen C0950123, MeSH D030342.

Submission:

Ambry Genetics
Classification: Uncertain significance for Inborn genetic diseases. Last evaluated: 2025-11-23. Review status: criteria provided, single submitter. Criteria: Ambry Variant Classification Scheme 2023. Collection method: clinical testing. Allele origin: germline.
Comment: The p.S866C variant (also known as c.2597C>G), located in coding exon 23 of the ANKRD26 gene, results from a C to G substitution at nucleotide position 2597. The serine at codon 866 is replaced by cysteine, an amino acid with dissimilar properties. This amino acid position is conserved. In addition, this alteration is predicted to be tolerated by in silico analysis. Based on the available evidence, the clinical significance of this variant remains unclear.